The following is an entry in ClinVar:

ClinVar aggregate classification (germline): Uncertain significance. Review status: criteria provided, multiple submitters, no conflicts (2 of 4 stars). 2 submissions from 2 submitters: Uncertain significance (2). Last evaluated 2025-08-28.

Conditions:
Developmental and epileptic encephalopathy, 7 (DEE7). Also called: Early infantile epileptic encephalopathy 7; KCNQ2-Related Neonatal Epileptic Encephalopathy; KCNQ2-Related Neonatal-Onset Developmental and Epileptic Encephalopathy (NEO-DEE). Identifiers: Orphanet 439218, MedGen C3150986, MONDO:0013387, OMIM 613720.

Submissions (2):

Dasa
Classification: Uncertain significance. Last evaluated: 2025-08-28. Review status: criteria provided, single submitter. Criteria: DASA Assertion Criteria. Collection method: clinical testing. Allele origin: germline.
Comment: NM_172107.4(KCNQ2):c.1243C>T (p.Pro415Ser) is a missense variant that results in the substitution of proline with serine. This variant is absent from population databases. The currently available literature and clinical evidence are not sufficient to establish a definitive association between this variant and the reported condition. Therefore, this variant is classified as a variant of uncertain significance.

Neuberg Centre For Genomic Medicine, NCGM
Classification: Uncertain significance for Developmental and epileptic encephalopathy, 7. Last evaluated: 2023-06-22. Review status: criteria provided, single submitter. Criteria: ACMG Guidelines, 2015. Collection method: clinical testing. Allele origin: germline. Inheritance: Autosomal dominant inheritance. Affected: yes.
Comment: The missense variant c.1243C>T (p.Pro415Ser) in the KCNQ2 gene has not been reported previously as a pathogenic variant nor as a benign variant, to our knowledge. This variant is absent in the gnomAD Exomes. The amino acid Pro at position 415 is changed to a Ser changing protein sequence and it might alter its composition and physico-chemical properties. Computational evidence (Polyphen, SIFT and MutationTaster) predicts conflicting evidence on protein structure and function for this variant. The amino acid change p.Pro415Ser in KCNQ2 is predicted as conserved by GERP++ and PhyloP across 100 vertebrates. For these reasons, this variant has been classified as Uncertain Significance.

NM_172107.4(KCNQ2):c.1243C>T (p.Pro415Ser)

Gene: KCNQ2 (potassium voltage-gated channel subfamily Q member 2; minus strand). Cytogenetic location: 20q13.33.
Variant type: single nucleotide variant.
Coding change: c.1243C>T on transcript NM_172107.4 (MANE Select); coding-DNA position 1243, C replaced by T.
Protein change: p.Pro415Ser; replaces proline 415 with serine.
Molecular consequence: missense variant.
Genome position (GRCh38, 1-based): chr20:63,424,181, G>A on the plus strand (C>T on the coding strand, the complement: KCNQ2 is on the minus strand). VCF-style: chr20-63424181-G-A. GRCh37 (hg19) VCF-style: chr20-62055534-G-A.
Other names: c.1243C>T, p.Pro415Ser (NM_001382235.1, NM_172106.3, NM_172108.5); c.1213C>T, p.Pro405Ser (NM_004518.6); short protein forms P405S, P415S.
Identifiers: ClinVar variation 3377757 (VCV003377757.3).
Genomic context (GRCh38, chr20:63,424,181, plus strand): 5'-GAGACCAGACGGCCGTGCACACGGCAGACACCAGGGTAGCAGCAGGGGGCACTGACCTTG[G>A]AGACGGCTCCGGCGGGGGGTCCTTCCTTCAAACAGAAGCAACAGAGAGTTAGTGGCCGCC-3'
Protein context (NP_742105.1, residues 405-425): FRKDPPPEPS[Pro415Ser]SKGSPCRGPL